The following is an entry in ClinVar:

NM_004369.4(COL6A3):c.4390C>T (p.Arg1464Ter)

Gene: COL6A3 (collagen type VI alpha 3 chain; minus strand). Cytogenetic location: 2q37.3.
Variant type: single nucleotide variant.
Coding change: c.4390C>T on transcript NM_004369.4 (MANE Select); coding-DNA position 4390, C replaced by T.
Protein change: p.Arg1464Ter; replaces arginine 1464 with a stop codon.
Molecular consequence: nonsense.
Genome position (GRCh38, 1-based): chr2:237,369,073, G>A on the plus strand (C>T on the coding strand, the complement: COL6A3 is on the minus strand). VCF-style: chr2-237369073-G-A. GRCh37 (hg19) VCF-style: chr2-238277716-G-A.
Other names: c.2569C>T, p.Arg857Ter (NM_057166.5); c.3772C>T, p.Arg1258Ter (NM_057167.4); short protein forms R1464*, R1258*, R857*.
Identifiers: ClinVar variation 489007 (VCV000489007.6), dbSNP rs912671116, ClinGen allele CA67816816.

ClinVar aggregate classification (germline): Pathogenic/Likely pathogenic. Review status: criteria provided, multiple submitters, no conflicts (2 of 4 stars). 2 submissions from 2 submitters: Pathogenic (1); Likely pathogenic (1). Last evaluated 2023-06-06.

Conditions:
Bethlem myopathy 1A. Also called: Bethlem Muscular Dystrophy; MYOPATHY, BENIGN CONGENITAL, WITH CONTRACTURES; Bethlem myopathy 1. Identifiers: Orphanet 610, MedGen CN029274, MONDO:0024530, OMIM 158810.

Allele frequency attached by ClinVar (database versions not stated): gnomAD exomes below 0.00001.
gnomAD v4.1: 4 of 1,614,128 alleles (0.00025%); highest among the groups gnomAD compares: East Asian, 0.0022%; no homozygotes.

Submissions (2):

Labcorp Genetics (formerly Invitae), Labcorp
Classification: Pathogenic for Bethlem myopathy 1A. Last evaluated: 2023-06-06. Review status: criteria provided, single submitter. Criteria: Invitae Variant Classification Sherloc (09022015). Collection method: clinical testing. Allele origin: germline.
Comment: For these reasons, this variant has been classified as Pathogenic. ClinVar contains an entry for this variant (Variation ID: 489007). This variant has not been reported in the literature in individuals affected with COL6A3-related conditions. This variant is present in population databases (no rsID available, gnomAD 0.0009%). This sequence change creates a premature translational stop signal (p.Arg1464*) in the COL6A3 gene. It is expected to result in an absent or disrupted protein product. Loss-of-function variants in COL6A3 are known to be pathogenic (PMID: 26004199).

GeneDx
Classification: Likely pathogenic. Last evaluated: 2021-03-25. Review status: criteria provided, single submitter. Criteria: GeneDx Variant Classification Process June 2021. Collection method: clinical testing. Allele origin: germline. Affected: yes.
Comment: Nonsense variant predicted to result in protein truncation or nonsense mediated decay in a gene for which loss-of-function is a known mechanism of disease; Not observed in large population cohorts (Lek et al., 2016); Has not been previously published as pathogenic or benign to our knowledge

Literature cited by the submitters: PubMed 26004199 (cited by Labcorp Genetics (formerly Invitae), Labcorp).